The following is an entry in ClinVar:

ClinVar aggregate classification (germline): Conflicting classifications of pathogenicity. Review status: criteria provided, conflicting classifications (1 of 4 stars). 5 submissions from 5 submitters: Uncertain significance (4); Likely benign (1). Last evaluated 2025-06-27.

Conditions:
Nephrolithiasis susceptibility caused by SLC26A1 (CAON1). Also called: NEPHROLITHIASIS, CALCIUM OXALATE, 1. Identifiers: MedGen C5779632, MONDO:0020722, OMIM 167030.
Hypersulfaturia (HYSULF). Identifiers: MedGen C5830511, MONDO:0957268, OMIM 620372.

gnomAD v4.1: 99 of 1,580,772 alleles (0.0063%); highest among the groups gnomAD compares: East Asian, 0.16%; no homozygotes.

Submissions (5):

Labcorp Genetics (formerly Invitae), Labcorp
Classification: Likely benign. Last evaluated: 2025-06-27. Review status: criteria provided, single submitter. Criteria: Invitae Variant Classification Sherloc (09022015). Collection method: clinical testing. Allele origin: germline.

Rare Kidney Stone Consortium and the Mayo Clinic Hyperoxaluria Center, Mayo Clinic
Classification: Uncertain significance for Nephrolithiasis susceptibility caused by SLC26A1. Last evaluated: 2025-05-01. Review status: criteria provided, single submitter. Criteria: ACMG Guidelines, 2015. Collection method: research. Allele origin: germline.
Comment: ACMG: PVS1

heterozygote

Fulgent Genetics
Classification: Uncertain significance for Nephrolithiasis susceptibility caused by SLC26A1; Hypersulfaturia. Last evaluated: 2024-05-15. Review status: criteria provided, single submitter. Criteria: ACMG Guidelines, 2015. Collection method: clinical testing. Allele origin: germline.

Blueprint Genetics
Classification: Uncertain significance. Last evaluated: 2024-04-05. Review status: criteria provided, single submitter. Criteria: ACMG Guidelines, 2015. Collection method: clinical testing. Allele origin: germline.

Department of Pathology and Laboratory Medicine, Sinai Health System
Classification: Uncertain significance for Nephrolithiasis susceptibility caused by SLC26A1; Hypersulfaturia. Last evaluated: 2022-11-21. Review status: criteria provided, single submitter. Criteria: ACMG Guidelines, 2015. Collection method: research. Allele origin: germline.

Literature cited by the submitters: PubMed 37306718 (cited by Rare Kidney Stone Consortium and the Mayo Clinic Hyperoxaluria Center, Mayo Clinic); PubMed 34674420 (cited by Rare Kidney Stone Consortium and the Mayo Clinic Hyperoxaluria Center, Mayo Clinic); PubMed 34805638 (cited by Rare Kidney Stone Consortium and the Mayo Clinic Hyperoxaluria Center, Mayo Clinic).

NM_022042.4(SLC26A1):c.528C>A (p.Tyr176Ter)

Genes: IDUA (alpha-L-iduronidase; plus strand), SLC26A1 (solute carrier family 26 member 1; minus strand). Cytogenetic location: 4p16.3.
Variant type: single nucleotide variant.
Coding change: c.528C>A on transcript NM_022042.4 (MANE Select); coding-DNA position 528, C replaced by A.
Protein change: p.Tyr176Ter; replaces tyrosine 176 with a stop codon.
Molecular consequence: nonsense. On other transcripts: intron variant (1).
Genome position (GRCh38, 1-based): chr4:991,176, G>T on the plus strand (C>A on the coding strand, the complement: SLC26A1 is on the minus strand). VCF-style: chr4-991176-G-T. GRCh37 (hg19) VCF-style: chr4-984964-G-T.
Other names: c.528C>A, p.Tyr176Ter (NM_134425.4, NM_213613.4); c.299+3227G>T (NM_000203.5); short protein forms Y176*.
Identifiers: ClinVar variation 3591525 (VCV003591525.6).
Genomic context (GRCh38, chr4:991,176, plus strand): 5'-AGGGCTCCTCACCTGGTAAAGCCCGGTCATCAGCGTGAGGGCGGTGGCGACACGGATGGC[G>T]TAGCAGTCACGCCCGCAGTCCAGCATGGCAGCCGAGCCGTTGAGGGTGCTGCTGTTGGCT-3'